The following is an entry in ClinVar:

NM_020831.6(MRTFA):c.731G>A (p.Arg244Gln)

Gene: MRTFA (myocardin related transcription factor A; minus strand). Cytogenetic location: 22q13.1.
Variant type: single nucleotide variant.
Coding change: c.731G>A on transcript NM_020831.6 (MANE Select); coding-DNA position 731, G replaced by A.
Protein change: p.Arg244Gln; replaces arginine 244 with glutamine.
Molecular consequence: missense variant.
Genome position (GRCh38, 1-based): chr22:40,424,252, C>T on the plus strand (G>A on the coding strand, the complement: MRTFA is on the minus strand). VCF-style: chr22-40424252-C-T. GRCh37 (hg19) VCF-style: chr22-40820256-C-T.
Other names: c.431G>A, p.Arg144Gln (NM_001282660.2); c.731G>A, p.Arg244Gln (NM_001282661.3, NM_001282662.3); c.536G>A, p.Arg179Gln (NM_001318139.2); short protein forms R144Q, R179Q, R244Q.
Identifiers: ClinVar variation 1897027 (VCV001897027.5), dbSNP rs531815758, ClinGen allele CA10249890.

ClinVar aggregate classification (germline): Uncertain significance (1 of 4 stars; one submission).

Allele frequency attached by ClinVar (database versions not stated): gnomAD 0.00001; gnomAD exomes 0.00001; TOPMed 0.00001; ExAC 0.00002; 1000 Genomes Project 30x 0.00016; 1000 Genomes Project 0.00020.
gnomAD v4.1: 13 of 1,607,370 alleles (0.00081%); highest among the groups gnomAD compares: African/African-American, 0.0013%; no homozygotes.

Submission:

Labcorp Genetics (formerly Invitae), Labcorp
Classification: Uncertain significance. Last evaluated: 2025-11-23. Review status: criteria provided, single submitter. Criteria: Invitae Variant Classification Sherloc (09022015). Collection method: clinical testing. Allele origin: germline.
Comment: This sequence change replaces arginine, which is basic and polar, with glutamine, which is neutral and polar, at codon 144 of the MKL1 protein (p.Arg144Gln). This variant is present in population databases (rs531815758, gnomAD 0.007%). This variant has not been reported in the literature in individuals affected with MKL1-related conditions. ClinVar contains an entry for this variant (Variation ID: 1897027). An algorithm developed to predict the effect of missense changes on protein structure and function (PolyPhen-2) suggests that this variant is likely to be tolerated. In summary, the available evidence is currently insufficient to determine the role of this variant in disease. Therefore, it has been classified as a Variant of Uncertain Significance.